The following is an entry in ClinVar:

ClinVar aggregate classification (germline): Likely benign. Review status: criteria provided, multiple submitters, no conflicts (2 of 4 stars). 3 submissions from 3 submitters: Likely benign (3). Last evaluated 2026-01-11.

Conditions:
TTN-related disorder. Also called: TTN-related disorders; TTN-related condition; TTN-related disease.
Dilated cardiomyopathy 1G (CMD1G). Identifiers: Orphanet 154, MedGen C1858763, MONDO:0011400, OMIM 604145.
Autosomal recessive limb-girdle muscular dystrophy type 2J (LGMDR10). Also called: Limb-girdle muscular dystrophy, type 2J; MUSCULAR DYSTROPHY, LIMB-GIRDLE, AUTOSOMAL RECESSIVE 10. Identifiers: Orphanet 140922, MedGen C1837342, MONDO:0012127, OMIM 608807.

Allele frequency attached by ClinVar (database versions not stated): gnomAD 0.00001 and 0.00002; TOPMed 0.00001.

Submissions (3):

Labcorp Genetics (formerly Invitae), Labcorp
Classification: Likely benign for Dilated cardiomyopathy 1G; Autosomal recessive limb-girdle muscular dystrophy type 2J. Last evaluated: 2026-01-11. Review status: criteria provided, single submitter. Criteria: Invitae Variant Classification Sherloc (09022015). Collection method: clinical testing. Allele origin: germline.

PreventionGenetics, part of Exact Sciences
Classification: Likely benign for TTN-related condition. Last evaluated: 2025-06-18. Review status: criteria provided, single submitter. Criteria: ACMG Guidelines, 2015. Collection method: clinical testing. Allele origin: germline.
Comment: This variant is classified as likely benign based on ACMG/AMP sequence variant interpretation guidelines (Richards et al. 2015 PMID: 25741868, with internal and published modifications).

Women's Health and Genetics/Laboratory Corporation of America, LabCorp
Classification: Likely benign. Last evaluated: 2024-11-11. Review status: criteria provided, single submitter. Criteria: LabCorp Variant Classification Summary - May 2015. Collection method: clinical testing. Allele origin: germline.

NM_001267550.2(TTN):c.63972C>T (p.Ser21324=)

Genes: TTN (titin; minus strand), TTN-AS1 (TTN antisense RNA 1; plus strand). Cytogenetic location: 2q31.2.
Variant type: single nucleotide variant.
Coding change: c.63972C>T on transcript NM_001267550.2 (MANE Select); coding-DNA position 63972, C replaced by T.
Protein change: p.Ser21324=; no amino-acid change (serine 21324 retained).
Molecular consequence: synonymous variant.
Genome position (GRCh38, 1-based): chr2:178,587,239, G>A on the plus strand (C>T on the coding strand, the complement: TTN is on the minus strand). VCF-style: chr2-178587239-G-A. GRCh37 (hg19) VCF-style: chr2-179451966-G-A.
Other names: c.59049C>T, p.Ser19683= (NM_001256850.1); c.36777C>T, p.Ser12259= (NM_003319.4); c.56268C>T, p.Ser18756= (NM_133378.4); c.37152C>T, p.Ser12384= (NM_133432.3); c.37353C>T, p.Ser12451= (NM_133437.4).
Identifiers: ClinVar variation 1157094 (VCV001157094.11), dbSNP rs2049219255, ClinGen allele CA430264443.